The following is an entry in ClinVar:

ClinVar aggregate classification (germline): Pathogenic (1 of 4 stars; one submission).

Conditions:
Autosomal recessive nonsyndromic hearing loss 3. Also called: NEUROSENSORY NONSYNDROMIC RECESSIVE DEAFNESS 3. Identifiers: Orphanet 90636, MedGen C1838263, MONDO:0010860, OMIM 600316.

Submission:

Institute of Rare Diseases, West China Hospital, Sichuan University
Classification: Pathogenic for Autosomal recessive nonsyndromic hearing loss 3. Last evaluated: 2025-01-09. Review status: criteria provided, single submitter. Criteria: ClinGen HL ACMG Specifications v1. Collection method: research. Allele origin: germline. Affected: yes.
Comment: PVS1;PM3;PM2_Supporting

NM_016239.4(MYO15A):c.2910del (p.Val971fs)

Gene: MYO15A (myosin XVA; plus strand). Cytogenetic location: 17p11.2.
Variant type: Deletion.
Coding change: c.2910del on transcript NM_016239.4 (MANE Select); coding-DNA position 2910, one base deleted (T; older notation c.2910delT).
Protein change: p.Val971fs; shifts the reading frame from valine 971.
Molecular consequence: frameshift variant.
Genome position (GRCh38, 1-based): chr17:18,121,710, T deleted. VCF-style (leftmost placement, unchanged base first): chr17-18121709-CT-C. GRCh37 (hg19) VCF-style: chr17-18025023-CT-C.
Other names: short protein forms V971fs.
Identifiers: ClinVar variation 3601315 (VCV003601315.1).